The following is an entry in ClinVar:

ClinVar aggregate classification (germline): Uncertain significance. Review status: criteria provided, multiple submitters, no conflicts (2 of 4 stars). 2 submissions from 2 submitters: Uncertain significance (2). Last evaluated 2026-09-08.

Conditions:
Fabry disease. Also called: Ceramide trihexosidosis; Fabry's disease; ALPHA-GALACTOSIDASE A DEFICIENCY; ANDERSON-FABRY DISEASE; CERAMIDE TRIHEXOSIDASE DEFICIENCY; GLA DEFICIENCY. Identifiers: Orphanet 324, MedGen C0002986, MONDO:0010526, OMIM 301500, HP:0001071. Disease mechanism: Fabry disease is due to inactivating mutations in the X-linked GLA gene resulting in deficiency of the enzyme Alpha Galactosidase-A., loss of function.

Submissions (2):

Genomenon, Inc
Classification: Uncertain significance for Fabry disease. Last evaluated: 2026-09-08. Review status: criteria provided, single submitter. Criteria: Genomenon Sequence Variant Interpretation Standards - Updated. Collection method: curation. Allele origin: germline. Affected: no.
Comment: GLA p.Gly411Ser (c.1231G>A) is a missense variant that changes the amino acid at codon 411 from Glycine to Serine. This variant has been reported in the published literature (PMID:31956509;33016649). It is absent or not present at a significant frequency in gnomAD. In silico models predict that this variant is possibly or probably damaging. In conclusion, we classify GLA p.Gly411Ser (c.1231G>A) as a variant of uncertain significance.

Labcorp Genetics (formerly Invitae), Labcorp
Classification: Uncertain significance for Fabry disease. Last evaluated: 2025-05-26. Review status: criteria provided, single submitter. Criteria: Invitae Variant Classification Sherloc (09022015). Collection method: clinical testing. Allele origin: germline.
Comment: This sequence change replaces glycine, which is neutral and non-polar, with serine, which is neutral and polar, at codon 411 of the GLA protein (p.Gly411Ser). This variant is not present in population databases (gnomAD no frequency). This missense change has been observed in individual(s) with clinical features of Fabry disease (PMID: 31956509; internal data). ClinVar contains an entry for this variant (Variation ID: 2973008). Invitae Evidence Modeling of protein sequence and biophysical properties (such as structural, functional, and spatial information, amino acid conservation, physicochemical variation, residue mobility, and thermodynamic stability) indicates that this missense variant is not expected to disrupt GLA protein function with a negative predictive value of 80%. In summary, the available evidence is currently insufficient to determine the role of this variant in disease. Therefore, it has been classified as a Variant of Uncertain Significance.

Literature cited by the submitters: PubMed 31956509 (cited by Genomenon, Inc and Labcorp Genetics (formerly Invitae), Labcorp); PubMed 33016649 (cited by Genomenon, Inc).

NM_000169.3(GLA):c.1231G>A (p.Gly411Ser)

Genes: GLA (galactosidase alpha; minus strand), RPL36A-HNRNPH2 (RPL36A-HNRNPH2 readthrough; plus strand). Cytogenetic location: Xq22.1.
Variant type: single nucleotide variant.
Coding change: c.1231G>A on transcript NM_000169.3 (MANE Select); coding-DNA position 1231, G replaced by A.
Protein change: p.Gly411Ser; replaces glycine 411 with serine.
Molecular consequence: missense variant. On other transcripts: non-coding transcript variant (3), intron variant (2).
Genome position (GRCh38, 1-based): chrX:101,397,868, C>T on the plus strand (G>A on the coding strand, the complement: GLA is on the minus strand). VCF-style: chrX-101397868-C-T. GRCh37 (hg19) VCF-style: chrX-100652856-C-T.
Other names: c.1354G>A, p.Gly452Ser (NM_001406747.1); c.300+2411C>T (NM_001199973.2); c.177+6046C>T (NM_001199974.2); short protein forms G411S, G452S.
Identifiers: ClinVar variation 2973008 (VCV002973008.5), dbSNP rs2520848719, ClinGen allele CA413919137.